The following is an entry in ClinVar:

ClinVar aggregate classification (germline): Uncertain significance (1 of 4 stars; one submission).

Conditions:
Hereditary cancer-predisposing syndrome. Also called: Hereditary Cancer Syndrome; Hereditary neoplastic syndrome; Neoplastic Syndromes, Hereditary; Tumor predisposition. Identifiers: Orphanet 140162, MedGen C0027672, MeSH D009386, MONDO:0015356.

Submission:

Ambry Genetics
Classification: Uncertain significance for Hereditary cancer-predisposing syndrome. Last evaluated: 2020-12-14. Review status: criteria provided, single submitter. Criteria: Ambry Variant Classification Scheme 2023. Collection method: clinical testing. Allele origin: germline.
Comment: The p.T152S variant (also known as c.454A>T), located in coding exon 2 of the MSH6 gene, results from an A to T substitution at nucleotide position 454. The threonine at codon 152 is replaced by serine, an amino acid with similar properties. This amino acid position is not well conserved in available vertebrate species. In addition, this alteration is predicted to be tolerated by in silico analysis. Since supporting evidence is limited at this time, the clinical significance of this alteration remains unclear.

NM_000179.3(MSH6):c.454A>T (p.Thr152Ser)

Gene: MSH6 (mutS homolog 6; plus strand). Cytogenetic location: 2p16.3.
Variant type: single nucleotide variant.
Coding change: c.454A>T on transcript NM_000179.3 (MANE Select); coding-DNA position 454, A replaced by T.
Protein change: p.Thr152Ser; replaces threonine 152 with serine.
Molecular consequence: missense variant. On other transcripts: 5 prime UTR variant (2), intron variant (1).
Genome position (GRCh38, 1-based): chr2:47,791,120, A>T. VCF-style: chr2-47791120-A-T. GRCh37 (hg19) VCF-style: chr2-48018259-A-T.
Other names: c.454A>T, p.Thr152Ser (NM_001406813.1, NM_001406817.1, NM_001406796.1 and 6 more transcripts); c.157A>T, p.Thr53Ser (NM_001406820.1, NM_001406821.1, NM_001406819.1 and 10 more transcripts); c.-541A>T (NM_001406814.1); c.-283A>T (NM_001281493.2, NM_001406811.1, NM_001406823.1 and 1 more transcripts); c.-449A>T (NM_001281494.2); c.550A>T, p.Thr184Ser (NM_001406795.1, NM_001406802.1); c.376A>T, p.Thr126Ser (NM_001406804.1); c.-475A>T (NM_001406807.1); and 2 more; short protein forms T126S, T152S, T96S, T184S, T53S.
Identifiers: ClinVar variation 1741408 (VCV001741408.2), dbSNP rs2104112662, ClinGen allele CA346737207.